The following is an entry in ClinVar:

ClinVar aggregate classification (germline): Pathogenic. Review status: criteria provided, single submitter (1 of 4 stars). 2 submissions from 2 submitters: Pathogenic (1). 1 of the submissions does not count toward it. Last evaluated 2022-02-17.

Conditions:
Ornithine carbamoyltransferase deficiency (OTCD). Also called: ORNITHINE TRANSCARBAMYLASE DEFICIENCY, HYPERAMMONEMIA DUE TO; ORNITHINE TRANSCARBAMYLASE DEFICIENCY; OTC DEFICIENCY; Ornithine Carbamoyltransferase Deficiency Disease. Identifiers: Orphanet 664, MedGen C0268542, MONDO:0010703, OMIM 311250.

Submissions (2):

Labcorp Genetics (formerly Invitae), Labcorp
Classification: Pathogenic for Ornithine carbamoyltransferase deficiency. Last evaluated: 2022-02-17. Review status: criteria provided, single submitter. Criteria: Invitae Variant Classification Sherloc (09022015). Collection method: clinical testing. Allele origin: germline.
Comment: This sequence change creates a premature translational stop signal (p.Leu151Trpfs*36) in the OTC gene. It is expected to result in an absent or disrupted protein product. Loss-of-function variants in OTC are known to be pathogenic (PMID: 10946359, 16786505). For these reasons, this variant has been classified as Pathogenic. Algorithms developed to predict the effect of sequence changes on RNA splicing suggest that this variant is not likely to affect RNA splicing. ClinVar contains an entry for this variant (Variation ID: 97205). This premature translational stop signal has been observed in individual(s) with clinical features of ornithine transcarbamylase deficiency (PMID: 11793468). This variant is not present in population databases (gnomAD no frequency).

GenMed Metabolism Lab
Classification: Pathogenic. Review status: no assertion criteria provided. Collection method: not provided. Allele origin: unknown. Not counted in ClinVar's aggregate classification.
ClinVar note: Converted during submission from pathogenic to Pathogenic.

Literature cited by the submitters: PubMed 10946359 (cited by Labcorp Genetics (formerly Invitae), Labcorp); PubMed 16786505 (cited by Labcorp Genetics (formerly Invitae), Labcorp); PubMed 11793468 (cited by Labcorp Genetics (formerly Invitae), Labcorp).

NM_000531.6(OTC):c.451del (p.Leu151fs)

Gene: OTC (ornithine transcarbamylase; plus strand). Cytogenetic location: Xp11.4.
Variant type: Deletion.
Coding change: c.451del on transcript NM_000531.6 (MANE Select); coding-DNA position 451, one base deleted (C; older notation c.451delC).
Protein change: p.Leu151fs; shifts the reading frame from leucine 151.
Molecular consequence: frameshift variant.
Genome position (GRCh38, 1-based): chrX:38,401,339, C deleted; the last of 3 consecutive C bases (chrX:38,401,337-38,401,339); deleting any one gives the same sequence. VCF-style (leftmost placement, unchanged base first): chrX-38401336-AC-A. GRCh37 (hg19) VCF-style: chrX-38260589-AC-A.
Other names: short protein forms L151fs.
Identifiers: ClinVar variation 97205 (VCV000097205.7), dbSNP rs72556264, ClinGen allele CA224614.